The following is an entry in ClinVar:

ClinVar aggregate classification (germline): Uncertain significance (1 of 4 stars; one submission).

Submission:

Labcorp Genetics (formerly Invitae), Labcorp
Classification: Uncertain significance. Last evaluated: 2022-06-13. Review status: criteria provided, single submitter. Criteria: Invitae Variant Classification Sherloc (09022015). Collection method: clinical testing. Allele origin: germline.
Comment: This sequence change replaces arginine, which is basic and polar, with glycine, which is neutral and non-polar, at codon 224 of the CTDP1 protein (p.Arg224Gly). This variant is not present in population databases (gnomAD no frequency). This variant has not been reported in the literature in individuals affected with CTDP1-related conditions. Algorithms developed to predict the effect of missense changes on protein structure and function (SIFT, PolyPhen-2, Align-GVGD) all suggest that this variant is likely to be disruptive. In summary, the available evidence is currently insufficient to determine the role of this variant in disease. Therefore, it has been classified as a Variant of Uncertain Significance.

NM_004715.5(CTDP1):c.670C>G (p.Arg224Gly)

Gene: CTDP1 (CTD phosphatase subunit 1; plus strand). Cytogenetic location: 18q23.
Variant type: single nucleotide variant.
Coding change: c.670C>G on transcript NM_004715.5 (MANE Select); coding-DNA position 670, C replaced by G.
Protein change: p.Arg224Gly; replaces arginine 224 with glycine.
Molecular consequence: missense variant.
Genome position (GRCh38, 1-based): chr18:79,704,815, C>G. VCF-style: chr18-79704815-C-G. GRCh37 (hg19) VCF-style: chr18-77464815-C-G.
Other names: c.313C>G, p.Arg105Gly (NM_001202504.1); c.670C>G, p.Arg224Gly (NM_001318511.2, NM_048368.4); short protein forms R105G, R224G.
Identifiers: ClinVar variation 1433177 (VCV001433177.6), dbSNP rs757261464, ClinGen allele CA402830584.
Genomic context (GRCh38, chr18:79,704,815, plus strand): 5'-TATTCTTTTTAGGGCATCTTTCACTTCCAGCTGGGCCGGGGTGAGCCCATGCTGCACACG[C>G]GCCTGCGTCCACACTGCAAGGACTTCCTGGAGAAGATCGCCAAGCTGTACGAGCTGCACG-3'
Protein context (NP_004706.3, residues 214-234): LGRGEPMLHT[Arg224Gly]LRPHCKDFLE